The following is an entry in ClinVar:

ClinVar aggregate classification (somatic clinical impact): Tier II - Potential (1 of 4 stars; one submission).

Conditions:
Embryonal rhabdomyosarcoma (ERMS). Also called: Botryoid rhabdomyosarcoma (type of ERMS); Spindle cell rhabdomyosarcomas (type of ERMS). Identifiers: Orphanet 99757, MedGen C0206656, MONDO:0009993, HP:0006743.

Submission:

Institute for Genomic Medicine (IGM) Clinical Laboratory, Nationwide Children's Hospital
Classification: Tier II - Potential for Embryonal rhabdomyosarcoma. Assertion type: diagnostic. Clinical significance: supports diagnosis. Last evaluated: 2024-11-07. Review status: criteria provided, single submitter. Criteria: AMP/ASCO/CAP Guidelines, 2017. Collection method: clinical testing. Allele origin: somatic. Affected: yes.
Comment: Variant has Tier II (potential) clinical significance as a diagnostic inclusion criterion in embryonal rhabdomyosarcoma, based on the following evidence: 1) Appears in one or more well-established professional guidelines (e.g., World Health Organization [WHO]; National Comprehensive Cancer Network [NCCN]) as providing diagnostic, prognostic, or therapeutic information. 2) Diagnostic significance based on multiple small studies (Evidence Level C; PMIDs: 24436047, 34166060).

Literature cited by the submitters: PubMed 24436047; PubMed 34166060.

NM_023110.3(FGFR1):c.1372G>T (p.Ala458Ser)

Gene: FGFR1 (fibroblast growth factor receptor 1; minus strand). Cytogenetic location: 8p11.23.
Variant type: single nucleotide variant.
Coding change: c.1372G>T on transcript NM_023110.3 (MANE Select); coding-DNA position 1372, G replaced by T.
Protein change: p.Ala458Ser; replaces alanine 458 with serine.
Molecular consequence: missense variant.
Genome position (GRCh38, 1-based): chr8:38,418,286, C>A on the plus strand (G>T on the coding strand, the complement: FGFR1 is on the minus strand). VCF-style: chr8-38418286-C-A. GRCh37 (hg19) VCF-style: chr8-38275804-C-A.
Other names: c.1366G>T, p.Ala456Ser (NM_001174063.2, NM_001174065.2, NM_001354367.2 and 1 more transcripts); c.1342G>T, p.Ala448Ser (NM_001174064.2); c.1105G>T, p.Ala369Ser (NM_001174066.2, NM_023105.3); c.1465G>T, p.Ala489Ser (NM_001174067.2); c.1093G>T, p.Ala365Ser (NM_001354368.2); c.1360G>T, p.Ala454Ser (NM_001354369.2, NM_001410922.1); c.1099G>T, p.Ala367Ser (NM_001354370.2, NM_023106.3); short protein forms A365S, A367S, A369S, A448S, A454S, A456S, A458S, A489S.
Identifiers: ClinVar variation 4530556 (VCV004530556.1).